The following is an entry in ClinVar:

NM_001040142.2(SCN2A):c.1094C>T (p.Thr365Met)

Gene: SCN2A (sodium voltage-gated channel alpha subunit 2; plus strand). Cytogenetic location: 2q24.3.
Variant type: single nucleotide variant.
Coding change: c.1094C>T on transcript NM_001040142.2 (MANE Select); coding-DNA position 1094, C replaced by T.
Protein change: p.Thr365Met; replaces threonine 365 with methionine.
Molecular consequence: missense variant.
Genome position (GRCh38, 1-based): chr2:165,313,679, C>T. VCF-style: chr2-165313679-C-T. GRCh37 (hg19) VCF-style: chr2-166170189-C-T.
Other names: NM_001040142.2(SCN2A):c.1094C>T; p.Thr365Met; c.1094C>T, p.Thr365Met (NM_001040143.2, NM_001371246.1, NM_001371247.1 and 1 more transcripts); c.1094C>T (NM_021007.2); short protein forms T365M.
Identifiers: ClinVar variation 2435687 (VCV002435687.7), dbSNP rs1697567984, ClinGen allele CA349020645.

ClinVar aggregate classification (germline): Likely pathogenic. Review status: reviewed by expert panel (3 of 4 stars). 5 submissions from 5 submitters: Likely pathogenic (1). 4 of the submissions do not count toward it. Last evaluated 2025-03-25.

Conditions:
Inborn genetic diseases. Identifiers: MedGen C0950123, MeSH D030342.
Complex neurodevelopmental disorder. Identifiers: Orphanet 528084, MedGen C5568766, MONDO:0100038.
Seizures, benign familial infantile, 3 (BFIS3). Also called: CONVULSIONS, BENIGN FAMILIAL INFANTILE, 3; Familial neonatal seizures. Identifiers: Orphanet 140927, Orphanet 306, MedGen C1843140, MONDO:0011904, OMIM 607745.
Episodic ataxia, type 9. Identifiers: MedGen C5394520, MONDO:0030064, OMIM 618924.
Developmental and epileptic encephalopathy, 11 (DEE11). Also called: Early infantile epileptic encephalopathy 11. Identifiers: Orphanet 1934, MedGen C3150987, MONDO:0013388, OMIM 613721.

Submissions (5):

ClinGen Epilepsy Sodium Channel Variant Curation Expert Panel, Clingen
Classification: Likely pathogenic for Complex neurodevelopmental disorder. Last evaluated: 2025-03-25. Review status: reviewed by expert panel. Criteria: ClinGen EpilepsySCN ACMG Specifications SCN2A V2.0.0. Collection method: curation. Allele origin: germline. Inheritance: Autosomal dominant inheritance.
Comment: The NM_001040142.2:c.1094C>T variant in SCN2A is a missense variant predicted to cause substitution of threonine by methionine at amino acid 365 (p.Thr365Met). This variant has been reported in 1 proband meeting criteria for complex neurodevelopmental disorder and as a de novo occurrence with unconfirmed parental relationships in 1 individual with a complex neurodevelopmental disorder (PM6_Supporting, PS4_Supporting; PMID 27824329). This variant is absent from gnomAD v[4.1.0] (PM2_Supporting). The computational predictor REVEL gives a score of 0.885, which is above the threshold of 0.773, evidence that correlates with impact to SCN2A function (PP3_Moderate). 2 different missense variants, SCN1A c.1088C>T, p.Thr363Ile and SCN1A c.1088C>G, p.Thr363Arg, (PMIDs 36034301, 31864146, 24679980, 32613771) in the paralogous codon of SCN1A have been classified as likely pathogenic for Dravet syndrome (MONDO:0100135) by the ClinGen Epilepsy Sodium Channel VCEP (PM5_Supporting). In summary, this variant meets the criteria to be classified as likely pathogenic for autosomal dominant complex neurodevelopmental disorder based on the ACMG/AMP criteria applied, as specified by the ClinGen Epilepsy Sodium Channel VCEP: PP3_Moderate, PM2_Supporting, PM6_Supporting, PS4_Supporting, PM5_Supporting. (Variant Interpretation Guidelines for SCN2A Version 2.0.0, 3/25/2025).

3billion
Classification: Likely pathogenic for Developmental and epileptic encephalopathy, 11. Last evaluated: 2025-09-02. Review status: criteria provided, single submitter. Criteria: ACMG Guidelines, 2015. Collection method: clinical testing. Allele origin: germline. Affected: yes. Not counted in ClinVar's aggregate classification.
Comment: The variant is not observed in the gnomAD v4.1.0 dataset. Predicted Consequence/Location: Missense variant In silico tool predictions suggest damaging effect of the variant on gene or gene product [REVEL: 0.89 (>=0.6, sensitivity 0.68 and specificity 0.92); 3Cnet: 1.00 (> 0.75, sensitivity 0.96 and precision 0.92)]. The same nucleotide change resulting in the same amino acid change has been previously reported to be associated with SCN2A-related disorder (ClinVar ID: VCV002435687).The variant has been previously reported as assumed (i.e. paternity and maternity not confirmed) de novo in at least one similarly affected unrelated individual (3billion dataset). Therefore, this variant is classified as Likely pathogenic according to the recommendation of ACMG/AMP guideline.

Ambry Genetics
Classification: Pathogenic for Inborn genetic diseases. Last evaluated: 2024-01-05. Review status: criteria provided, single submitter. Criteria: Ambry Variant Classification Scheme 2023. Collection method: clinical testing. Allele origin: germline. Not counted in ClinVar's aggregate classification.
Comment: The c.1094C>T (p.T365M) alteration is located in exon 9 (coding exon 8) of the SCN2A gene. This alteration results from a C to T substitution at nucleotide position 1094, causing the threonine (T) at amino acid position 365 to be replaced by a methionine (M). This variant was not reported in population-based cohorts in the Genome Aggregation Database (gnomAD). This variant has been determined to be the result of a de novo mutation in one individual with features consistent with SCN2A-related neurodevelopmental disorder (Wang, 2016). This amino acid position is highly conserved in available vertebrate species. This alteration is predicted to be deleterious by in silico analysis. Based on the available evidence, this alteration is classified as pathogenic.

Revvity Omics, Revvity
Classification: Uncertain significance. Last evaluated: 2022-01-18. Review status: criteria provided, single submitter. Criteria: ACMG Guidelines, 2015. Collection method: clinical testing. Allele origin: germline. Not counted in ClinVar's aggregate classification.

Juno Genomics, Hangzhou Juno Genomics, Inc
Classification: Likely pathogenic for Developmental and epileptic encephalopathy, 11; Episodic ataxia, type 9; Seizures, benign familial infantile, 3. Review status: criteria provided, single submitter. Criteria: ACMG Guidelines, 2015. Collection method: clinical testing. Allele origin: germline. Affected: yes. Not counted in ClinVar's aggregate classification.
Comment: Absent from controls (or at extremely low frequency if recessive) in Genome Aggregation Database.;Multiple lines of computational evidence support a deleterious effect on the gene or gene product.;The prevalence of the variant in affected individuals is significantly increased compared to the prevalence in controls.;Assumed de novo, but without confirmation of paternity and maternity.;Novel missense change at an amino acid residue where a different missense change determined to be pathogenic has been seen before.

Literature cited by the submitters: PubMed 27824329 (cited by Ambry Genetics).